The following is an entry in ClinVar:

NM_001009944.3(PKD1):c.1295C>G (p.Ala432Gly)

Gene: PKD1 (polycystin 1, transient receptor potential channel interacting; minus strand). Cytogenetic location: 16p13.3.
Variant type: single nucleotide variant.
Coding change: c.1295C>G on transcript NM_001009944.3 (MANE Select); coding-DNA position 1295, C replaced by G.
Protein change: p.Ala432Gly; replaces alanine 432 with glycine.
Molecular consequence: missense variant.
Genome position (GRCh38, 1-based): chr16:2,117,579, G>C on the plus strand (C>G on the coding strand, the complement: PKD1 is on the minus strand). VCF-style: chr16-2117579-G-C. GRCh37 (hg19) VCF-style: chr16-2167580-G-C.
Other names: c.1295C>G, p.Ala432Gly (NM_000296.4); short protein forms A432G.
Identifiers: ClinVar variation 4077072 (VCV004077072.1).

ClinVar aggregate classification (germline): Uncertain significance (1 of 4 stars; one submission).

Conditions:
Polycystic kidney disease, adult type (PKD1). Also called: POLYCYSTIC KIDNEY DISEASE, ADULT, TYPE I; Polycystic Kidney Disease 1, Autosomal Dominant; Polycystic kidney disease 1; Polycystic kidney disease 1, severe; POLYCYSTIC KIDNEY DISEASE 1 WITH OR WITHOUT POLYCYSTIC LIVER DISEASE; Polycystic Kidney, Autosomal Dominant. Identifiers: MedGen C3149841, MONDO:0008263, OMIM 173900.

Submission:

MVZ Medizinische Genetik Mainz
Classification: Uncertain significance for Polycystic kidney disease, adult type. Last evaluated: 2025-07-22. Review status: criteria provided, single submitter. Criteria: UK Practice Guidelines For Variant Classification V4 01 2020. Collection method: clinical testing. Allele origin: germline. Inheritance: Autosomal dominant inheritance. Affected: yes. Observed: 1 variant allele.
Comment: ACMG Criteria: PM5,PM2_SUP,PP4